The following is an entry in ClinVar:

NM_001182.5(ALDH7A1):c.605G>A (p.Gly202Asp)

Gene: ALDH7A1 (aldehyde dehydrogenase 7 family member A1; minus strand). Cytogenetic location: 5q23.2.
Variant type: single nucleotide variant.
Coding change: c.605G>A on transcript NM_001182.5 (MANE Select); coding-DNA position 605, G replaced by A.
Protein change: p.Gly202Asp; replaces glycine 202 with aspartic acid.
Molecular consequence: missense variant.
Genome position (GRCh38, 1-based): chr5:126,577,124, C>T on the plus strand (G>A on the coding strand, the complement: ALDH7A1 is on the minus strand). VCF-style: chr5-126577124-C-T. GRCh37 (hg19) VCF-style: chr5-125912816-C-T.
Other names: c.521G>A, p.Gly174Asp (NM_001201377.2); c.605G>A, p.Gly202Asp (NM_001202404.2); short protein forms G202D, G174D.
Identifiers: ClinVar variation 2193073 (VCV002193073.7), dbSNP rs899342601, ClinGen allele CA126909697.

ClinVar aggregate classification (germline): Pathogenic/Likely pathogenic. Review status: criteria provided, multiple submitters, no conflicts (2 of 4 stars). 2 submissions from 2 submitters: Pathogenic (1); Likely pathogenic (1). Last evaluated 2026-02-03.

Conditions:
Pyridoxine-dependent epilepsy (EPEO4). Also called: Pyridoxine-Dependent Epilepsy - ALDH7A1; EPILEPSY, EARLY-ONSET, 4, VITAMIN B6-DEPENDENT; PYRIDOXINE DEPENDENCY WITH SEIZURES; Pyridoxine-Dependent Seizures. Identifiers: Orphanet 3006, MedGen C1849508, MONDO:0009945, OMIM 266100. Disease mechanism: loss of function.

Submissions (2):

Labcorp Genetics (formerly Invitae), Labcorp
Classification: Pathogenic for Pyridoxine-dependent epilepsy. Last evaluated: 2026-02-03. Review status: criteria provided, single submitter. Criteria: Invitae Variant Classification Sherloc (09022015). Collection method: clinical testing. Allele origin: germline.
Comment: This sequence change replaces glycine, which is neutral and non-polar, with aspartic acid, which is acidic and polar, at codon 202 of the ALDH7A1 protein (p.Gly202Asp). This variant is not present in population databases (gnomAD no frequency). This missense change has been observed in individuals with pyridoxine-dependent epilepsy (PMID: 30043187). ClinVar contains an entry for this variant (Variation ID: 2193073). Invitae Evidence Modeling of protein sequence and biophysical properties (such as structural, functional, and spatial information, amino acid conservation, physicochemical variation, residue mobility, and thermodynamic stability) indicates that this missense variant is expected to disrupt ALDH7A1 protein function with a positive predictive value of 95%. For these reasons, this variant has been classified as Pathogenic.

Women's Health and Genetics/Laboratory Corporation of America, LabCorp
Classification: Likely pathogenic for Pyridoxine-dependent epilepsy. Last evaluated: 2025-07-22. Review status: criteria provided, single submitter. Criteria: LabCorp Variant Classification Summary - May 2015. Collection method: clinical testing. Allele origin: germline.
Comment: Variant summary: ALDH7A1 c.605G>A (p.Gly202Asp) results in a non-conservative amino acid change in the encoded protein sequence. Algorithms developed to predict the effect of missense changes on protein structure and function all suggest that this variant is likely to be disruptive. The variant was absent in 251490 control chromosomes. c.605G>A has been reported in the literature in individuals affected with Pyridoxine-Dependent Epilepsy who were compound heterozygous with pathogenic variant (Coughlin_2019). These data indicate that the variant may be associated with disease. To our knowledge, no experimental evidence demonstrating an impact on protein function has been reported. The following publication has been ascertained in the context of this evaluation (PMID: 30043187). A different missense variant at this amino acid postion has been classified as likely pathogenic by our laboratory (c.605G>T; p.Gly202Val) suggesting this codon could be critical for normal function of the protein. ClinVar contains an entry for this variant (Variation ID: 2193073). Based on the evidence outlined above, the variant was classified as likely pathogenic.

Literature cited by the submitters: PubMed 30043187 (cited by Labcorp Genetics (formerly Invitae), Labcorp and Women's Health and Genetics/Laboratory Corporation of America, LabCorp).